The following is an entry in ClinVar:

ClinVar aggregate classification (germline): Uncertain significance (1 of 4 stars; one submission).

Allele frequency attached by ClinVar (database versions not stated): gnomAD exomes below 0.00001; TOPMed below 0.00001.
gnomAD v4.1: 6 of 1,465,544 alleles (0.00041%); highest among the groups gnomAD compares: African/African-American, 0.0015%; no homozygotes.

Submission:

Labcorp Genetics (formerly Invitae), Labcorp
Classification: Uncertain significance. Last evaluated: 2021-08-31. Review status: criteria provided, single submitter. Criteria: Invitae Variant Classification Sherloc (09022015). Collection method: clinical testing. Allele origin: germline.
Comment: This sequence change replaces cysteine with glycine at codon 73 of the PAX1 protein (p.Cys73Gly). The cysteine residue is weakly conserved and there is a large physicochemical difference between cysteine and glycine. The frequency data for this variant in the population databases is considered unreliable, as metrics indicate insufficient coverage at this position in the ExAC database. This variant has not been reported in the literature in individuals affected with PAX1-related conditions. Algorithms developed to predict the effect of missense changes on protein structure and function (SIFT, PolyPhen-2, Align-GVGD) all suggest that this variant is likely to be tolerated. In summary, the available evidence is currently insufficient to determine the role of this variant in disease. Therefore, it has been classified as a Variant of Uncertain Significance.

NM_001257096.2(PAX1):c.217T>G (p.Cys73Gly)

Gene: PAX1 (paired box 1; plus strand). Cytogenetic location: 20p11.22.
Variant type: single nucleotide variant.
Coding change: c.217T>G on transcript NM_001257096.2 (MANE Select); coding-DNA position 217, T replaced by G.
Protein change: p.Cys73Gly; replaces cysteine 73 with glycine.
Molecular consequence: missense variant.
Genome position (GRCh38, 1-based): chr20:21,705,929, T>G. VCF-style: chr20-21705929-T-G. GRCh37 (hg19) VCF-style: chr20-21686567-T-G.
Other names: c.217T>G, p.Cys73Gly (NM_006192.5); short protein forms C73G.
Identifiers: ClinVar variation 1514163 (VCV001514163.5), dbSNP rs1292840396, ClinGen allele CA408497090.